The following is an entry in ClinVar:

ClinVar aggregate classification (germline): Uncertain significance (1 of 4 stars; one submission).

gnomAD v4.1: 1 of 1,614,048 alleles (0.000062%); no homozygotes.

Submission:

Labcorp Genetics (formerly Invitae), Labcorp
Classification: Uncertain significance. Last evaluated: 2025-03-16. Review status: criteria provided, single submitter. Criteria: Invitae Variant Classification Sherloc (09022015). Collection method: clinical testing. Allele origin: germline.
Comment: This sequence change replaces proline, which is neutral and non-polar, with leucine, which is neutral and non-polar, at codon 1858 of the SRCAP protein (p.Pro1858Leu). This variant is not present in population databases (gnomAD no frequency). This variant has not been reported in the literature in individuals affected with SRCAP-related conditions. Invitae Evidence Modeling of protein sequence and biophysical properties (such as structural, functional, and spatial information, amino acid conservation, physicochemical variation, residue mobility, and thermodynamic stability) indicates that this missense variant is not expected to disrupt SRCAP protein function with a negative predictive value of 80%. In summary, the available evidence is currently insufficient to determine the role of this variant in disease. Therefore, it has been classified as a Variant of Uncertain Significance.

NM_006662.3(SRCAP):c.5573C>T (p.Pro1858Leu)

Gene: SRCAP (Snf2 related CREBBP activator protein; plus strand). Cytogenetic location: 16p11.2.
Variant type: single nucleotide variant.
Coding change: c.5573C>T on transcript NM_006662.3 (MANE Select); coding-DNA position 5573, C replaced by T.
Protein change: p.Pro1858Leu; replaces proline 1858 with leucine.
Molecular consequence: missense variant.
Genome position (GRCh38, 1-based): chr16:30,724,997, C>T. VCF-style: chr16-30724997-C-T. GRCh37 (hg19) VCF-style: chr16-30736318-C-T.
Other names: short protein forms P1858L.
Identifiers: ClinVar variation 4774676 (VCV004774676.1).
Genomic context (GRCh38, chr16:30,724,997, plus strand): 5'-TATCCCGGCTGCCTGTTTCCAAGGATGAGCCTGACACACTGACATTGCGCTCTGGTCCCC[C>T]CAGCCCTCCCTCCACTGCTACCTCGTTTGGTGGCCCCCGGCCTCGACGCCAGCCCCCCCC-3'
Protein context (NP_006653.2, residues 1848-1868): PDTLTLRSGP[Pro1858Leu]SPPSTATSFG